The following is an entry in ClinVar:

NM_030632.3(ASXL3):c.808C>T (p.His270Tyr)

Gene: ASXL3 (ASXL transcriptional regulator 3; plus strand). Cytogenetic location: 18q12.1.
Variant type: single nucleotide variant.
Coding change: c.808C>T on transcript NM_030632.3 (MANE Select); coding-DNA position 808, C replaced by T.
Protein change: p.His270Tyr; replaces histidine 270 with tyrosine.
Molecular consequence: missense variant.
Genome position (GRCh38, 1-based): chr18:33,683,497, C>T. VCF-style: chr18-33683497-C-T. GRCh37 (hg19) VCF-style: chr18-31263461-C-T.
Other names: short protein forms H270Y.
Identifiers: ClinVar variation 3906396 (VCV003906396.1).

ClinVar aggregate classification (germline): Uncertain significance (1 of 4 stars; one submission).

Submission:

GeneDx
Classification: Uncertain significance. Last evaluated: 2024-12-21. Review status: criteria provided, single submitter. Criteria: GeneDx Variant Classification Process June 2021. Collection method: clinical testing. Allele origin: germline. Affected: yes.
Comment: Not observed at significant frequency in large population cohorts (gnomAD); In silico analysis supports that this missense variant has a deleterious effect on protein structure/function; Has not been previously published as pathogenic or benign to our knowledge